The following is an entry in ClinVar:

ClinVar aggregate classification (germline): Uncertain significance (1 of 4 stars; one submission).

Conditions:
Inborn genetic diseases. Identifiers: MedGen C0950123, MeSH D030342.

Submission:

Ambry Genetics
Classification: Uncertain significance for Inborn genetic diseases. Last evaluated: 2026-07-18. Review status: criteria provided, single submitter. Criteria: Ambry Variant Classification Scheme 2023. Collection method: clinical testing. Allele origin: germline.
Comment: The p.D883Y variant (also known as c.2647G>T), located in coding exon 17 of the PIK3CA gene, results from a G to T substitution at nucleotide position 2647. The aspartic acid at codon 883 is replaced by tyrosine, an amino acid with highly dissimilar properties. This amino acid position is conserved. In addition, the in silico prediction for this alteration is inconclusive. Based on the available evidence, the clinical significance of this variant remains unclear.

NM_006218.4(PIK3CA):c.2647G>T (p.Asp883Tyr)

Gene: PIK3CA (phosphatidylinositol-4,5-bisphosphate 3-kinase catalytic subunit alpha; plus strand). Cytogenetic location: 3q26.32.
Variant type: single nucleotide variant.
Coding change: c.2647G>T on transcript NM_006218.4 (MANE Select); coding-DNA position 2647, G replaced by T.
Protein change: p.Asp883Tyr; replaces aspartic acid 883 with tyrosine.
Molecular consequence: missense variant.
Genome position (GRCh38, 1-based): chr3:179,229,423, G>T. VCF-style: chr3-179229423-G-T. GRCh37 (hg19) VCF-style: chr3-178947211-G-T.
Other names: short protein forms D883Y.
Identifiers: ClinVar variation 5026690 (VCV005026690.1).